The following is an entry in ClinVar:

NM_004655.4(AXIN2):c.1712+10G>T

Gene: AXIN2 (axin 2; minus strand). Cytogenetic location: 17q24.1.
Variant type: single nucleotide variant.
Coding change: c.1712+10G>T on transcript NM_004655.4 (MANE Select); 10 bases into the intron after coding-DNA position 1712, G replaced by T.
Molecular consequence: intron variant.
Genome position (GRCh38, 1-based): chr17:65,537,314, C>A on the plus strand (G>T on the coding strand, the complement: AXIN2 is on the minus strand). VCF-style: chr17-65537314-C-A. GRCh37 (hg19) VCF-style: chr17-63533432-C-A.
Other names: c.1712+10G>T (NM_001363813.1).
Identifiers: ClinVar variation 2196644 (VCV002196644.5), dbSNP rs374250367, ClinGen allele CA985561477.
Genomic context (GRCh38, chr17:65,537,314, plus strand): 5'-TCACACCTGCCCATGGACCTGGCTGGGAGACAAGCCCCACACGGGACACTGCGGTCCGCC[C>A]GGCACTTACCCAAACTGCTCGCTGGGCATGGTTTCCGGAGCCTTGGAGTGGCTTTTGCAT-3'

ClinVar aggregate classification (germline): Likely benign. Review status: criteria provided, multiple submitters, no conflicts (2 of 4 stars). 2 submissions from 2 submitters: Likely benign (2). Last evaluated 2024-07-30.

Conditions:
Oligodontia-cancer predisposition syndrome. Also called: TOOTH AGENESIS-COLORECTAL CANCER SYNDROME. Identifiers: Orphanet 300576, MedGen C1837750, MONDO:0012075, OMIM 608615. Disease mechanism: loss of function.

Allele frequency attached by ClinVar (database versions not stated): gnomAD 0.00001.

Submissions (2):

Labcorp Genetics (formerly Invitae), Labcorp
Classification: Likely benign for Oligodontia-cancer predisposition syndrome. Last evaluated: 2024-07-30. Review status: criteria provided, single submitter. Criteria: Invitae Variant Classification Sherloc (09022015). Collection method: clinical testing. Allele origin: germline.

Myriad Genetics, Inc.
Classification: Likely benign for Oligodontia-cancer predisposition syndrome. Last evaluated: 2024-07-08. Review status: criteria provided, single submitter. Criteria: Myriad Autosomal Dominant, Autosomal Recessive and X-Linked Classification Criteria (2023). Collection method: clinical testing. Allele origin: unknown.
Comment: This variant is considered likely benign. This variant is intronic and is not expected to impact mRNA splicing.